The following is an entry in ClinVar:

ClinVar aggregate classification (germline): Uncertain significance. Review status: criteria provided, multiple submitters, no conflicts (2 of 4 stars). 3 submissions from 3 submitters: Uncertain significance (3). Last evaluated 2022-08-23.

Conditions:
Charcot-Marie-Tooth disease type 4. Also called: Charcot-Marie-Tooth, Type 4; Charcot-Marie-Tooth disease, type IV. Identifiers: Orphanet 64749, MedGen C4082197, MONDO:0018995.
Inborn genetic diseases. Identifiers: MedGen C0950123, MeSH D030342.

gnomAD v4.1: 1 of 1,611,438 alleles (0.000062%); no homozygotes.

Submissions (3):

Labcorp Genetics (formerly Invitae), Labcorp
Classification: Uncertain significance for Charcot-Marie-Tooth disease type 4. Last evaluated: 2022-08-23. Review status: criteria provided, single submitter. Criteria: Invitae Variant Classification Sherloc (09022015). Collection method: clinical testing. Allele origin: germline.
Comment: This sequence change replaces glycine, which is neutral and non-polar, with arginine, which is basic and polar, at codon 1424 of the PRX protein (p.Gly1424Arg). This variant is not present in population databases (gnomAD no frequency). This variant has not been reported in the literature in individuals affected with PRX-related conditions. ClinVar contains an entry for this variant (Variation ID: 476974). Algorithms developed to predict the effect of missense changes on protein structure and function output the following: SIFT: "Tolerated"; PolyPhen-2: "Probably Damaging"; Align-GVGD: "Class C15". The arginine amino acid residue is found in multiple mammalian species, which suggests that this missense change does not adversely affect protein function. In summary, the available evidence is currently insufficient to determine the role of this variant in disease. Therefore, it has been classified as a Variant of Uncertain Significance.

Blueprint Genetics
Classification: Uncertain significance. Last evaluated: 2022-02-10. Review status: criteria provided, single submitter. Criteria: ACMG Guidelines, 2015. Collection method: clinical testing. Allele origin: germline.

Ambry Genetics
Classification: Uncertain significance for Inborn genetic diseases. Last evaluated: 2020-12-01. Review status: criteria provided, single submitter. Criteria: Ambry Variant Classification Scheme 2023. Collection method: clinical testing. Allele origin: germline.
Comment: The p.G1424R variant (also known as c.4270G>A), located in coding exon 4 of the PRX gene, results from a G to A substitution at nucleotide position 4270. The glycine at codon 1424 is replaced by arginine, an amino acid with dissimilar properties. This amino acid position is well conserved in available vertebrate species; however, arginine is the reference amino acid in other vertebrate species. In addition, this alteration is predicted to be tolerated by in silico analysis. Since supporting evidence is limited at this time, the clinical significance of this alteration remains unclear.

NM_181882.3(PRX):c.4270G>A (p.Gly1424Arg)

Gene: PRX (periaxin; minus strand). Cytogenetic location: 19q13.2.
Variant type: single nucleotide variant.
Coding change: c.4270G>A on transcript NM_181882.3 (MANE Select); coding-DNA position 4270, G replaced by A.
Protein change: p.Gly1424Arg; replaces glycine 1424 with arginine.
Molecular consequence: missense variant. On other transcripts: 3 prime UTR variant (1).
Genome position (GRCh38, 1-based): chr19:40,394,082, C>T on the plus strand (G>A on the coding strand, the complement: PRX is on the minus strand). VCF-style: chr19-40394082-C-T. GRCh37 (hg19) VCF-style: chr19-40899989-C-T.
Other names: c.*4475G>A (NM_020956.2); short protein forms G1424R.
Identifiers: ClinVar variation 476974 (VCV000476974.11), dbSNP rs754032938, ClinGen allele CA405889935.